The following is an entry in ClinVar:

ClinVar aggregate classification (germline): Uncertain significance (1 of 4 stars; one submission).

Conditions:
Hereditary cancer-predisposing syndrome. Also called: Neoplastic Syndromes, Hereditary; Tumor predisposition; Hereditary Cancer Syndrome; Hereditary neoplastic syndrome. Identifiers: Orphanet 140162, MedGen C0027672, MeSH D009386, MONDO:0015356.

Submission:

Ambry Genetics
Classification: Uncertain significance for Hereditary cancer-predisposing syndrome. Last evaluated: 2017-09-14. Review status: criteria provided, single submitter. Criteria: Ambry Variant Classification Scheme 2023. Collection method: clinical testing. Allele origin: germline.
Comment: The p.S224R variant (also known as c.672C>A), located in coding exon 2 of the HOXB13 gene, results from a C to A substitution at nucleotide position 672. The serine at codon 224 is replaced by arginine, an amino acid with dissimilar properties. This amino acid position is highly conserved through mammals, but not in lower available vertebrate species. In addition, this alteration is predicted to be deleterious by in silico analysis. Since supporting evidence is limited at this time, the clinical significance of this alteration remains unclear.

NM_006361.6(HOXB13):c.672C>A (p.Ser224Arg)

Gene: HOXB13 (homeobox B13; minus strand). Cytogenetic location: 17q21.32.
Variant type: single nucleotide variant.
Coding change: c.672C>A on transcript NM_006361.6 (MANE Select); coding-DNA position 672, C replaced by A.
Protein change: p.Ser224Arg; replaces serine 224 with arginine.
Molecular consequence: missense variant.
Genome position (GRCh38, 1-based): chr17:48,726,973, G>T on the plus strand (C>A on the coding strand, the complement: HOXB13 is on the minus strand). VCF-style: chr17-48726973-G-T. GRCh37 (hg19) VCF-style: chr17-46804335-G-T.
Other names: short protein forms S224R.
Identifiers: ClinVar variation 483532 (VCV000483532.5), dbSNP rs1555558479, ClinGen allele CA400106709.